The following is an entry in ClinVar:

NM_000048.4(ASL):c.387C>A (p.Cys129Ter)

Gene: ASL (argininosuccinate lyase; plus strand). Cytogenetic location: 7q11.21.
Variant type: single nucleotide variant.
Coding change: c.387C>A on transcript NM_000048.4 (MANE Select); coding-DNA position 387, C replaced by A.
Protein change: p.Cys129Ter; replaces cysteine 129 with a stop codon.
Molecular consequence: nonsense.
Genome position (GRCh38, 1-based): chr7:66,083,115, C>A. VCF-style: chr7-66083115-C-A. GRCh37 (hg19) VCF-style: chr7-65548102-C-A.
Other names: c.387C>A, p.Cys129Ter (NM_001024943.2, NM_001024944.2, NM_001024946.2); short protein forms C129*.
Identifiers: ClinVar variation 2799988 (VCV002799988.3), dbSNP rs2484998179, ClinGen allele CA367639350.

ClinVar aggregate classification (germline): Pathogenic (1 of 4 stars; one submission).

Conditions:
Argininosuccinate lyase deficiency. Also called: ARGININOSUCCINIC ACID LYASE DEFICIENCY; ASL DEFICIENCY; Argininosuccinic aciduria. Identifiers: Orphanet 23, MedGen C0268547, MONDO:0008815, OMIM 207900, HP:0025630.

Submission:

Labcorp Genetics (formerly Invitae), Labcorp
Classification: Pathogenic for Argininosuccinate lyase deficiency. Last evaluated: 2023-09-23. Review status: criteria provided, single submitter. Criteria: Invitae Variant Classification Sherloc (09022015). Collection method: clinical testing. Allele origin: germline.
Comment: For these reasons, this variant has been classified as Pathogenic. This variant has not been reported in the literature in individuals affected with ASL-related conditions. This variant is not present in population databases (gnomAD no frequency). This sequence change creates a premature translational stop signal (p.Cys129*) in the ASL gene. It is expected to result in an absent or disrupted protein product. Loss-of-function variants in ASL are known to be pathogenic (PMID: 2263616, 24166829).

Literature cited by the submitters: PubMed 2263616; PubMed 24166829.